The following is an entry in ClinVar:

NM_014236.4(GNPAT):c.1307C>T (p.Pro436Leu)

Gene: GNPAT (glyceronephosphate O-acyltransferase; plus strand). Cytogenetic location: 1q42.2.
Variant type: single nucleotide variant.
Coding change: c.1307C>T on transcript NM_014236.4 (MANE Select); coding-DNA position 1307, C replaced by T.
Protein change: p.Pro436Leu; replaces proline 436 with leucine.
Molecular consequence: missense variant.
Genome position (GRCh38, 1-based): chr1:231,270,785, C>T. VCF-style: chr1-231270785-C-T. GRCh37 (hg19) VCF-style: chr1-231406531-C-T.
Other names: c.1124C>T, p.Pro375Leu (NM_001316350.2); short protein forms P436L, P375L.
Identifiers: ClinVar variation 296124 (VCV000296124.9), dbSNP rs757791949, ClinGen allele CA1451999.

ClinVar aggregate classification (germline): Uncertain significance. Review status: criteria provided, multiple submitters, no conflicts (2 of 4 stars). 4 submissions from 4 submitters: Uncertain significance (4). Last evaluated 2022-07-27.

Conditions:
Rhizomelic chondrodysplasia punctata type 2 (RCDP2). Also called: DIHYDROXYACETONEPHOSPHATE ACYLTRANSFERASE DEFICIENCY; glyceronephosphate O-acyltransferase (GNPAT) deficiency; Glyceronephosphate O-acyltransferase deficiency; DHAPAT DEFICIENCY; PEROXISOMAL DIHYDROXYACETONEPHOSPHATE ACYLTRANSFERASE DEFICIENCY; Chondrodysplasia punctata, rhizomelic, due to dihydroxyacetonephosphate acyltransferase deficiency. Identifiers: Orphanet 177, Orphanet 309796, MedGen C1857242, MONDO:0100273, OMIM 222765. Disease mechanism: loss of function.
Inborn genetic diseases. Identifiers: MedGen C0950123, MeSH D030342.

Allele frequency attached by ClinVar (database versions not stated): TOPMed 0.00023; gnomAD 0.00019; ExAC 0.00007; gnomAD exomes 0.00014.
gnomAD v4.1: 210 of 1,613,842 alleles (0.013%); highest among the groups gnomAD compares: Admixed American, 0.087%; no homozygotes.

Submissions (4):

Labcorp Genetics (formerly Invitae), Labcorp
Classification: Uncertain significance. Last evaluated: 2022-07-27. Review status: criteria provided, single submitter. Criteria: Invitae Variant Classification Sherloc (09022015). Collection method: clinical testing. Allele origin: germline.
Comment: This sequence change replaces proline, which is neutral and non-polar, with leucine, which is neutral and non-polar, at codon 436 of the GNPAT protein (p.Pro436Leu). This variant is present in population databases (rs757791949, gnomAD 0.06%). This variant has not been reported in the literature in individuals affected with GNPAT-related conditions. ClinVar contains an entry for this variant (Variation ID: 296124). Algorithms developed to predict the effect of missense changes on protein structure and function (SIFT, PolyPhen-2, Align-GVGD) all suggest that this variant is likely to be tolerated. In summary, the available evidence is currently insufficient to determine the role of this variant in disease. Therefore, it has been classified as a Variant of Uncertain Significance.

Ambry Genetics
Classification: Uncertain significance for Inborn genetic diseases. Last evaluated: 2021-07-09. Review status: criteria provided, single submitter. Criteria: Ambry Variant Classification Scheme 2023. Collection method: clinical testing. Allele origin: germline.

Illumina Laboratory Services, Illumina
Classification: Uncertain significance for Rhizomelic chondrodysplasia punctata type 2. Last evaluated: 2018-01-12. Review status: criteria provided, single submitter. Criteria: ICSL Variant Classification Criteria 13 December 2019. Collection method: clinical testing. Allele origin: germline.

Breakthrough Genomics
Classification: Uncertain significance. Review status: criteria provided, single submitter. Criteria: ACMG Guidelines, 2015. Collection method: not provided. Allele origin: germline. Inheritance: Autosomal recessive inheritance. Affected: yes.